The following is an entry in ClinVar:

ClinVar aggregate classification (germline): Uncertain significance (1 of 4 stars; one submission).

Conditions:
Myofibrillar myopathy 5. Also called: FILAMINOPATHY, AUTOSOMAL DOMINANT; Filaminopathy (type). Identifiers: Orphanet 171445, MedGen C1836050, MONDO:0012289, OMIM 609524.
Distal myopathy with posterior leg and anterior hand involvement. Also called: WILLIAMS DISTAL MYOPATHY. Identifiers: Orphanet 63273, MedGen C3279722, MONDO:0013550, OMIM 614065.
Hypertrophic cardiomyopathy 26. Also called: Cardiomyopathy, familial hypertrophic, 26. Identifiers: Orphanet 75249, MedGen C4310749, MONDO:0014883, OMIM 617047.

Submission:

Labcorp Genetics (formerly Invitae), Labcorp
Classification: Uncertain significance for Distal myopathy with posterior leg and anterior hand involvement; Myofibrillar myopathy 5; Hypertrophic cardiomyopathy 26. Last evaluated: 2025-12-31. Review status: criteria provided, single submitter. Criteria: Invitae Variant Classification Sherloc (09022015). Collection method: clinical testing. Allele origin: germline.
Comment: This sequence change replaces lysine, which is basic and polar, with arginine, which is basic and polar, at codon 2481 of the FLNC protein (p.Lys2481Arg). This variant is not present in population databases (gnomAD no frequency). This variant has not been reported in the literature in individuals affected with FLNC-related conditions. Invitae Evidence Modeling of protein sequence and biophysical properties (such as structural, functional, and spatial information, amino acid conservation, physicochemical variation, residue mobility, and thermodynamic stability) indicates that this missense variant is not expected to disrupt FLNC protein function with a negative predictive value of 95%. In summary, the available evidence is currently insufficient to determine the role of this variant in disease. Therefore, it has been classified as a Variant of Uncertain Significance.

NM_001458.5(FLNC):c.7442A>G (p.Lys2481Arg)

Genes: FLNC (filamin C; plus strand), FLNC-AS1 (FLNC antisense RNA 1; minus strand). Cytogenetic location: 7q32.1.
Variant type: single nucleotide variant.
Coding change: c.7442A>G on transcript NM_001458.5 (MANE Select); coding-DNA position 7442, A replaced by G.
Protein change: p.Lys2481Arg; replaces lysine 2481 with arginine.
Molecular consequence: missense variant.
Genome position (GRCh38, 1-based): chr7:128,856,802, A>G. VCF-style: chr7-128856802-A-G. GRCh37 (hg19) VCF-style: chr7-128496856-A-G.
Other names: c.7343A>G, p.Lys2448Arg (NM_001127487.2); short protein forms K2448R, K2481R.
Identifiers: ClinVar variation 4812329 (VCV004812329.1).